The following is an entry in ClinVar:

ClinVar aggregate classification (germline): Uncertain significance (1 of 4 stars; one submission).

Conditions:
Inborn genetic diseases. Identifiers: MedGen C0950123, MeSH D030342.

gnomAD v4.1: 28 of 1,614,164 alleles (0.0017%); highest among the groups gnomAD compares: Non-Finnish European, 0.0024%; no homozygotes.

Submission:

Ambry Genetics
Classification: Uncertain significance for Inborn genetic diseases. Last evaluated: 2024-11-18. Review status: criteria provided, single submitter. Criteria: Ambry Variant Classification Scheme 2023. Collection method: clinical testing. Allele origin: germline.
Comment: The p.T429A variant (also known as c.1285A>G), located in coding exon 14 of the FANCA gene, results from an A to G substitution at nucleotide position 1285. The threonine at codon 429 is replaced by alanine, an amino acid with similar properties. This amino acid position is conserved. In addition, the in silico prediction for this alteration is inconclusive. Based on the available evidence, the clinical significance of this variant remains unclear.

NM_000135.4(FANCA):c.1285A>G (p.Thr429Ala)

Gene: FANCA (FA complementation group A; minus strand). Cytogenetic location: 16q24.3.
Variant type: single nucleotide variant.
Coding change: c.1285A>G on transcript NM_000135.4 (MANE Select); coding-DNA position 1285, A replaced by G.
Protein change: p.Thr429Ala; replaces threonine 429 with alanine.
Molecular consequence: missense variant.
Genome position (GRCh38, 1-based): chr16:89,791,477, T>C on the plus strand (A>G on the coding strand, the complement: FANCA is on the minus strand). VCF-style: chr16-89791477-T-C. GRCh37 (hg19) VCF-style: chr16-89857885-T-C.
Other names: c.1285A>G, p.Thr429Ala (NM_001286167.3); short protein forms T429A.
Identifiers: ClinVar variation 3512636 (VCV003512636.1).